The following is an entry in ClinVar:

NM_004462.5(FDFT1):c.692G>A (p.Trp231Ter)

Gene: FDFT1 (farnesyl-diphosphate farnesyltransferase 1). Cytogenetic location: 8p23.1.
Variant type: single nucleotide variant.
Coding change: c.692G>A on transcript NM_004462.5 (MANE Select); coding-DNA position 692, G replaced by A.
Protein change: p.Trp231Ter; replaces tryptophan 231 with a stop codon.
Molecular consequence: nonsense.
Genome position (GRCh38, 1-based): chr8:11,826,205, G>A. VCF-style: chr8-11826205-G-A. GRCh37 (hg19) VCF-style: chr8-11683714-G-A.
Other names: c.692G>A, p.Trp231Ter (NM_001287742.2, NM_001287743.2); c.500G>A, p.Trp167Ter (NM_001287744.2, NM_001287745.2, NM_001287747.2 and 2 more transcripts); c.869G>A, p.Trp290Ter (NM_001287750.2); c.437G>A, p.Trp146Ter (NM_001287751.2); c.191G>A, p.Trp64Ter (NM_001287756.2); short protein forms W146*, W167*, W231*, W290*, W64*.
Identifiers: ClinVar variation 4849700 (VCV004849700.1).

ClinVar aggregate classification (germline): Likely pathogenic (1 of 4 stars; one submission).

Conditions:
Squalene synthase deficiency. Also called: NEURODEVELOPMENTAL DISORDER WITH LOW CHOLESTEROL AND ABNORMAL URINE ORGANIC ACIDS. Identifiers: MedGen C4748427, MONDO:0032566, OMIM 618156.

Submission:

Diagnostics Services (NGS), CSIR - Centre For Cellular And Molecular Biology
Classification: Likely pathogenic for Squalene synthase deficiency. Last evaluated: 2026-02-20. Review status: criteria provided, single submitter. Criteria: ACMG Guidelines, 2015. Collection method: clinical testing. Allele origin: germline. Observed: 1 variant allele, 1 heterozygote.
Comment: The c.692G>A variant is not present in 1000 Genomes, EVS, gnomAD, Indian Exome Database or our internal database. This variant has not been published in the literature for FDFT1-related conditions nor reported to HGMD, ClinVar or OMIM databases, in any affected individuals. In-silico pathogenicity prediction programs like MutationTaster2021, CADD, Franklin, Varsome etc., predicted this variant to be likely deleterious. This variant creates a premature translational stop signal at the 231st amino acid position of the wild-type transcript that may either result in translation of a truncated protein or cause nonsense mediated decay of the mRNA. This indivudal harbours another heterozygous variant (c.188G>A) in this gene.